The following is an entry in ClinVar:

NM_003721.4(RFXANK):c.445G>A (p.Asp149Asn)

Gene: RFXANK (regulatory factor X associated ankyrin containing protein; plus strand). Cytogenetic location: 19p13.11.
Variant type: single nucleotide variant.
Coding change: c.445G>A on transcript NM_003721.4 (MANE Select); coding-DNA position 445, G replaced by A.
Protein change: p.Asp149Asn; replaces aspartic acid 149 with asparagine.
Molecular consequence: missense variant.
Genome position (GRCh38, 1-based): chr19:19,198,113, G>A. VCF-style: chr19-19198113-G-A. GRCh37 (hg19) VCF-style: chr19-19308922-G-A.
Other names: c.379G>A, p.Asp127Asn (NM_001278727.2, NM_001370234.1); c.376G>A, p.Asp126Asn (NM_001278728.2, NM_134440.3); c.445G>A, p.Asp149Asn (NM_001370233.1, NM_001370238.1); c.442G>A, p.Asp148Asn (NM_001370235.1, NM_001370236.1, NM_001370237.1); short protein forms D149N, D126N, D127N, D148N.
Identifiers: ClinVar variation 538596 (VCV000538596.22), dbSNP rs115220304, ClinGen allele CA9322769.

ClinVar aggregate classification (germline): Conflicting classifications of pathogenicity. Review status: criteria provided, conflicting classifications (1 of 4 stars). 6 submissions from 6 submitters: Uncertain significance (1); Likely benign (4). 1 of the submissions does not count toward it. Last evaluated 2026-02-12.

Conditions:
RFXANK-related disorder. Also called: RFXANK-related condition.
MHC class II deficiency. Also called: Bare lymphocyte syndrome 2; BLS, TYPE II. Identifiers: Orphanet 572, MedGen C5447452, MONDO:0008855.

Allele frequency attached by ClinVar (database versions not stated): gnomAD exomes 0.00028 and 0.00053; ExAC 0.00057; gnomAD 0.00203 and 0.00216; ESP Exome Variant Server 0.00215; 1000 Genomes Project 0.00220; TOPMed 0.00230; 1000 Genomes Project 30x 0.00234.

Submissions (6):

Women's Health and Genetics/Laboratory Corporation of America, LabCorp
Classification: Likely benign. Last evaluated: 2026-02-12. Review status: criteria provided, single submitter. Criteria: LabCorp Variant Classification Summary - May 2015. Collection method: clinical testing. Allele origin: germline.
Comment: Variant summary: RFXANK c.445G>A (p.Asp149Asn) results in a conservative amino acid change in the encoded protein sequence. Algorithms developed to predict the effect of missense changes on protein structure and function are either unavailable or do not agree on the potential impact of this missense change. The variant allele was found at a frequency of 0.00053 in 251408 control chromosomes, predominantly at a frequency of 0.0054 within the African or African-American subpopulation in the gnomAD database. The observed variant frequency within African or African-American control individuals in the gnomAD database exceeds the estimated maximal expected allele frequency for disease-causing variants in RFXANK. To our knowledge, no occurrence of c.445G>A in individuals affected with RFXANK-related conditions and no experimental evidence demonstrating its impact on protein function have been reported. ClinVar contains an entry for this variant (Variation ID: 538596). Based on the evidence outlined above, the variant was classified as likely benign.

Labcorp Genetics (formerly Invitae), Labcorp
Classification: Likely benign for MHC class II deficiency. Last evaluated: 2026-01-26. Review status: criteria provided, single submitter. Criteria: Invitae Variant Classification Sherloc (09022015). Collection method: clinical testing. Allele origin: germline.

Blueprint Genetics
Classification: Likely benign. Last evaluated: 2024-08-06. Review status: criteria provided, single submitter. Criteria: ACMG Guidelines, 2015. Collection method: clinical testing. Allele origin: germline.

Center for Genomics, Ann and Robert H. Lurie Children's Hospital of Chicago
Classification: Uncertain significance for MHC class II deficiency 1. Last evaluated: 2021-03-30. Review status: criteria provided, single submitter. Criteria: ACMG Guidelines, 2015. Collection method: clinical testing. Allele origin: germline.
Comment: RFXANK NM_003721.3 exon 7 p.Asp149Asn (c.445G>A): This variant has not been reported in the literature but is present in 0.6% (169/24938) of African alleles in the Genome Aggregation Database. This variant is present in ClinVar (Variation ID:538596). This variant Asparagine is present as wild type in 1 animal (Opossum); however, evolutionary conservation suggests that this variant may impact the protein. Computational predictive tools for this variant are unclear. In summary, data on this variant is insufficient for disease classification. Therefore, the clinical significance of this variant is uncertain.

Illumina Laboratory Services, Illumina
Classification: Likely benign for MHC class II deficiency 1. Last evaluated: 2018-01-12. Review status: criteria provided, single submitter. Criteria: ICSL Variant Classification Criteria 13 December 2019. Collection method: clinical testing. Allele origin: germline.
Comment: This variant was observed in the ICSL laboratory as part of a predisposition screen in an ostensibly healthy population. It had not been previously curated by ICSL or reported in the Human Gene Mutation Database (HGMD: prior to June 1st, 2018), and was therefore a candidate for classification through an automated scoring system. Utilizing variant allele frequency, disease prevalence and penetrance estimates, and inheritance mode, an automated score was calculated to assess if this variant is too frequent to cause the disease. Based on the score and internal cut-off values, a variant classified as likely benign is not then subjected to further curation. The score for this variant resulted in a classification of likely benign for this disease.

PreventionGenetics, part of Exact Sciences
Classification: Likely benign for RFXANK-related condition. Last evaluated: 2020-08-19. Review status: no assertion criteria provided. Collection method: clinical testing. Allele origin: germline. Not counted in ClinVar's aggregate classification.
Comment: This variant is classified as likely benign based on ACMG/AMP sequence variant interpretation guidelines (Richards et al. 2015 PMID: 25741868, with internal and published modifications).